The following is an entry in ClinVar:

ClinVar aggregate classification (germline): Conflicting classifications of pathogenicity. Review status: criteria provided, conflicting classifications (1 of 4 stars). 5 submissions from 5 submitters: Uncertain significance (3); Benign (1); Likely benign (1). Last evaluated 2025-07-23.

Conditions:
Emery-Dreifuss muscular dystrophy 5, autosomal dominant (EDMD5). Also called: EMERY-DREIFUSS MUSCULAR DYSTROPHY 5. Identifiers: Orphanet 261, MedGen C2751805, MONDO:0013072, OMIM 612999.

Allele frequency attached by ClinVar (database versions not stated): TOPMed 0.00007; gnomAD 0.00009; gnomAD exomes 0.00016; 1000 Genomes Project 0.00020; ExAC 0.00022; 1000 Genomes Project 30x 0.00031.
gnomAD v4.1: 358 of 1,613,350 alleles (0.022%); highest among the groups gnomAD compares: Non-Finnish European, 0.027%; no homozygotes.

Submissions (5):

Labcorp Genetics (formerly Invitae), Labcorp
Classification: Uncertain significance for Emery-Dreifuss muscular dystrophy 5, autosomal dominant. Last evaluated: 2025-07-23. Review status: criteria provided, single submitter. Criteria: Invitae Variant Classification Sherloc (09022015). Collection method: clinical testing. Allele origin: germline.
Comment: This sequence change replaces proline, which is neutral and non-polar, with alanine, which is neutral and non-polar, at codon 2222 of the SYNE2 protein (p.Pro2222Ala). This variant is present in population databases (rs201838350, gnomAD 0.02%). This variant has not been reported in the literature in individuals affected with SYNE2-related conditions. ClinVar contains an entry for this variant (Variation ID: 313525). An algorithm developed to predict the effect of missense changes on protein structure and function (PolyPhen-2) suggests that this variant is likely to be disruptive. In summary, the available evidence is currently insufficient to determine the role of this variant in disease. Therefore, it has been classified as a Variant of Uncertain Significance.

Blueprint Genetics
Classification: Likely benign. Last evaluated: 2024-09-04. Review status: criteria provided, single submitter. Criteria: ACMG Guidelines, 2015. Collection method: clinical testing. Allele origin: germline.

Ambry Genetics
Classification: Uncertain significance. Last evaluated: 2024-01-03. Review status: criteria provided, single submitter. Criteria: Ambry Variant Classification Scheme 2023. Collection method: clinical testing. Allele origin: germline.

Athena Diagnostics
Classification: Uncertain significance. Last evaluated: 2020-08-03. Review status: criteria provided, single submitter. Criteria: Athena Diagnostics Criteria. Collection method: clinical testing. Allele origin: unknown.

Illumina Laboratory Services, Illumina
Classification: Benign for Emery-Dreifuss muscular dystrophy 5, autosomal dominant. Last evaluated: 2018-01-13. Review status: criteria provided, single submitter. Criteria: ICSL Variant Classification Criteria 13 December 2019. Collection method: clinical testing. Allele origin: germline.
Comment: This variant was observed in the ICSL laboratory as part of a predisposition screen in an ostensibly healthy population. It had not been previously curated by ICSL or reported in the Human Gene Mutation Database (HGMD: prior to June 1st, 2018), and was therefore a candidate for classification through an automated scoring system. Utilizing variant allele frequency, disease prevalence and penetrance estimates, and inheritance mode, an automated score was calculated to assess if this variant is too frequent to cause the disease. Based on the score and internal cut-off values, a variant classified as benign is not then subjected to further curation. The score for this variant resulted in a classification of benign for this disease.

NM_182914.3(SYNE2):c.6664C>G (p.Pro2222Ala)

Gene: SYNE2 (spectrin repeat containing nuclear envelope protein 2; plus strand). Cytogenetic location: 14q23.2.
Variant type: single nucleotide variant.
Coding change: c.6664C>G on transcript NM_182914.3 (MANE Select); coding-DNA position 6664, C replaced by G.
Protein change: p.Pro2222Ala; replaces proline 2222 with alanine.
Molecular consequence: missense variant.
Genome position (GRCh38, 1-based): chr14:64,027,743, C>G. VCF-style: chr14-64027743-C-G. GRCh37 (hg19) VCF-style: chr14-64494461-C-G.
Other names: c.6664C>G, p.Pro2222Ala (NM_015180.6); short protein forms P2222A.
Identifiers: ClinVar variation 313525 (VCV000313525.17), dbSNP rs201838350, ClinGen allele CA7220740.